The following is an entry in ClinVar:

ClinVar aggregate classification (germline): Likely pathogenic (1 of 4 stars; one submission).

Conditions:
Wiedemann-Steiner syndrome (WDSTS). Also called: Growth deficiency and mental retardation with facial dysmorphism. Identifiers: Orphanet 319182, MedGen C1854630, MONDO:0011518, OMIM 605130.

Submission:

Victorian Clinical Genetics Services, Murdoch Childrens Research Institute
Classification: Likely pathogenic for Wiedemann-Steiner syndrome. Last evaluated: 2025-06-05. Review status: criteria provided, single submitter. Criteria: ACMG Guidelines, 2015. Collection method: clinical testing. Allele origin: germline. Affected: yes.
Comment: This variant is classified as Likely pathogenic. Evidence in support of pathogenic classification: Variant is absent from gnomAD (v2, v3 and v4); Missense variant predicted to be damaging by in silico tool(s) or highly conserved with a major amino acid change; Additional information: Variant is predicted to result in a missense amino acid change from tryptophan to glycine; This variant is heterozygous; This gene is associated with autosomal dominant disease; This variant has no previous evidence of pathogenicity; No published segregation evidence has been identified for this variant; No published functional evidence has been identified for this variant; No comparable missense variants have previous evidence for pathogenicity; Variant is located in the annotated F/Y-rich N-terminus domain (DECIPHER); Loss of function is a known mechanism of disease in this gene and is associated with Wiedemann-Steiner syndrome (MIM#605130).

NM_001197104.2(KMT2A):c.6175T>G (p.Trp2059Gly)

Gene: KMT2A (lysine methyltransferase 2A; plus strand). Cytogenetic location: 11q23.3.
Variant type: single nucleotide variant.
Coding change: c.6175T>G on transcript NM_001197104.2 (MANE Select); coding-DNA position 6175, T replaced by G.
Protein change: p.Trp2059Gly; replaces tryptophan 2059 with glycine.
Molecular consequence: missense variant.
Genome position (GRCh38, 1-based): chr11:118,501,003, T>G. VCF-style: chr11-118501003-T-G. GRCh37 (hg19) VCF-style: chr11-118371718-T-G.
Other names: c.6265T>G, p.Trp2089Gly (NM_001412597.1); c.6166T>G, p.Trp2056Gly (NM_005933.4); short protein forms W2056G, W2059G, W2089G.
Identifiers: ClinVar variation 4531767 (VCV004531767.1).
Genomic context (GRCh38, chr11:118,501,003, plus strand): 5'-CTATCCTCTCCCTTATGATGATTTTCCCAAATCTGTTTACCCAGGTGTTCCAGGGTATAC[T>G]GGAGCACCACAGATGCTCGCAAGCGCTGTGTATATACATGCAAGATAGTGGAGTGCCGTC-3'
Protein context (NP_001184033.1, residues 2049-2069): PIGYQCSRVY[Trp2059Gly]STTDARKRCV